The following is an entry in ClinVar:

ClinVar aggregate classification (germline): Uncertain significance (1 of 4 stars; one submission).

Conditions:
Hereditary cancer-predisposing syndrome. Also called: Tumor predisposition; Hereditary Cancer Syndrome; Hereditary neoplastic syndrome; Neoplastic Syndromes, Hereditary. Identifiers: Orphanet 140162, MedGen C0027672, MeSH D009386, MONDO:0015356.

Submissions (2):

Sema4
Classification: Uncertain significance for Hereditary cancer-predisposing syndrome. Last evaluated: 2021-11-29. Review status: criteria provided, single submitter. Criteria: Sema4 Curation Guidelines. Collection method: curation. Allele origin: germline.
Comment: To the best of our knowledge, the BRCA1 c.200A>G (p.D67G) variant has not been reported in individuals with BRCA1-related disease. The saturation genome editing (SGE) assay of this variant demonstrated it has the normal function of the protein (PMID: 30209399). This variant is not reported in the population database Genome Aggregation Database (PMID: 32461654). This variant has been reported in ClinVar (Variation ID 867326). Functional studies have not been performed, and in silico predictions of the variant's effect on protein function are inconclusive. The evidence is insufficient to meet ACMG/AMP criteria for classifying the variant as benign or pathogenic. Thus, the clinical significance of this variant is currently uncertain.

Brotman Baty Institute, University of Washington
No classification provided (evidence only). Condition: Breast-ovarian cancer, familial 1. Review status: no classification provided. Collection method: in vitro. Allele origin: not applicable. Functional consequence: functionally_normal. Not counted in ClinVar's aggregate classification.
ClinVar note: "not provided" was previously submitted as the classification for the variant. However, the classification appeared to be based only on an observation of functional data so it was converted to no classification on 2025-07-30.

Literature cited by the submitters: PubMed 30209399 (cited by Sema4).

NM_007294.4(BRCA1):c.200A>G (p.Asp67Gly)

Gene: BRCA1 (BRCA1 DNA repair associated; minus strand). Cytogenetic location: 17q21.31.
Variant type: single nucleotide variant.
Coding change: c.200A>G on transcript NM_007294.4 (MANE Select); coding-DNA position 200, A replaced by G.
Protein change: p.Asp67Gly; replaces aspartic acid 67 with glycine.
Molecular consequence: missense variant.
Genome position (GRCh38, 1-based): chr17:43,106,468, T>C on the plus strand (A>G on the coding strand, the complement: BRCA1 is on the minus strand). VCF-style: chr17-43106468-T-C. GRCh37 (hg19) VCF-style: chr17-41258485-T-C.
Other names: c.59A>G, p.Asp20Gly (NM_001408505.1, NM_001408511.1, NM_007297.4 and 99 more transcripts); c.200A>G, p.Asp67Gly (NM_007298.4, NM_007299.4, NM_007300.4 and 168 more transcripts); short protein forms D67G, D20G.
Identifiers: ClinVar variation 867326 (VCV000867326.3), dbSNP rs1060502331, ClinGen allele CA10601767.